The following is an entry in ClinVar:

ClinVar aggregate classification (germline): Pathogenic (1 of 4 stars; one submission).

Submission:

GeneDx
Classification: Pathogenic. Last evaluated: 2022-02-18. Review status: criteria provided, single submitter. Criteria: GeneDx Variant Classification Process June 2021. Collection method: clinical testing. Allele origin: germline. Affected: yes.
Comment: Frameshift variant predicted to result in protein truncation or nonsense mediated decay in a gene for which loss-of-function is a known mechanism of disease; Not observed at significant frequency in large population cohorts (gnomAD); Has not been previously published as pathogenic or benign to our knowledge

NM_020699.4(GATAD2B):c.182_183del (p.His61fs)

Gene: GATAD2B (GATA zinc finger domain containing 2B; minus strand). Cytogenetic location: 1q21.3.
Variant type: Deletion.
Coding change: c.182_183del on transcript NM_020699.4 (MANE Select); coding-DNA positions 182 to 183, 2 bases deleted (AT; older notation c.182_183delAT).
Protein change: p.His61fs; shifts the reading frame from histidine 61.
Molecular consequence: frameshift variant.
Genome position (GRCh38, 1-based): chr1:153,828,165-153,828,166, AT deleted on the plus strand (AT on the coding strand, the reverse complement: GATAD2B is on the minus strand). VCF-style (leftmost placement, unchanged base first): chr1-153828164-CAT-C. GRCh37 (hg19) VCF-style: chr1-153800640-CAT-C.
Other names: short protein forms H61fs.
Identifiers: ClinVar variation 1702719 (VCV001702719.2), dbSNP rs2101891457, ClinGen allele CA2580061068.